The following is an entry in ClinVar:

NM_001369.3(DNAH5):c.4664G>A (p.Trp1555Ter)

Genes: DNAH5 (dynein axonemal heavy chain 5; minus strand), DNAH5-AS1 (DNAH5 antisense RNA 1; plus strand). Cytogenetic location: 5p15.2.
Variant type: single nucleotide variant.
Coding change: c.4664G>A on transcript NM_001369.3 (MANE Select); coding-DNA position 4664, G replaced by A.
Protein change: p.Trp1555Ter; replaces tryptophan 1555 with a stop codon.
Molecular consequence: nonsense.
Genome position (GRCh38, 1-based): chr5:13,862,680, C>T on the plus strand (G>A on the coding strand, the complement: DNAH5 is on the minus strand). VCF-style: chr5-13862680-C-T. GRCh37 (hg19) VCF-style: chr5-13862789-C-T.
Other names: short protein forms W1555*.
Identifiers: ClinVar variation 2151996 (VCV002151996.5), dbSNP rs752620318, ClinGen allele CA3203917.

ClinVar aggregate classification (germline): Pathogenic. Review status: criteria provided, multiple submitters, no conflicts (2 of 4 stars). 2 submissions from 2 submitters: Pathogenic (2). Last evaluated 2024-05-14.

Conditions:
Primary ciliary dyskinesia 3. Identifiers: Orphanet 244, MedGen C1837618, MONDO:0012085, OMIM 608644.
Primary ciliary dyskinesia. Also called: Ciliary dyskinesia. Identifiers: Orphanet 244, MedGen C0008780, MONDO:0016575, HP:0012265.

Allele frequency attached by ClinVar (database versions not stated): ExAC 0.00001; gnomAD exomes below 0.00001.
gnomAD v4.1: 1 of 1,613,982 alleles (0.000062%); highest among the groups gnomAD compares: Non-Finnish European, 0.000085%; no homozygotes.

Submissions (2):

Myriad Genetics, Inc.
Classification: Pathogenic for Primary ciliary dyskinesia 3. Last evaluated: 2024-05-14. Review status: criteria provided, single submitter. Criteria: Myriad Autosomal Dominant, Autosomal Recessive and X-Linked Classification Criteria (2023). Collection method: clinical testing. Allele origin: unknown.
Comment: NM_001369.2(DNAH5):c.4664G>A(W1555*) is expected to be pathogenic in the context of primary ciliary dyskinesia, DNAH5-related. This variant is predicted to lead to an abnormal or absent protein product due to the creation of a premature termination codon in DNAH5, a gene where loss-of-function variants are known to be pathogenic. Please note: this variant was assessed in the context of healthy population screening.

Labcorp Genetics (formerly Invitae), Labcorp
Classification: Pathogenic for Primary ciliary dyskinesia. Last evaluated: 2023-02-11. Review status: criteria provided, single submitter. Criteria: Invitae Variant Classification Sherloc (09022015). Collection method: clinical testing. Allele origin: germline.
Comment: This sequence change creates a premature translational stop signal (p.Trp1555*) in the DNAH5 gene. It is expected to result in an absent or disrupted protein product. Loss-of-function variants in DNAH5 are known to be pathogenic (PMID: 11788826, 16627867). This variant is present in population databases (rs752620318, gnomAD 0.0009%). This premature translational stop signal has been observed in individual(s) with clinical features of primary ciliary dyskinesia (PMID: 29363216). For these reasons, this variant has been classified as Pathogenic.

Literature cited by the submitters: PubMed 11788826 (cited by Labcorp Genetics (formerly Invitae), Labcorp); PubMed 16627867 (cited by Labcorp Genetics (formerly Invitae), Labcorp); PubMed 29363216 (cited by Labcorp Genetics (formerly Invitae), Labcorp).